The following is an entry in ClinVar:

NM_001375567.1(FOCAD):c.4132+10C>T

Gene: FOCAD (focadhesin; plus strand). Cytogenetic location: 9p21.3.
Variant type: single nucleotide variant.
Coding change: c.4132+10C>T on transcript NM_001375567.1 (MANE Select); 10 bases into the intron after coding-DNA position 4132, C replaced by T.
Molecular consequence: intron variant.
Genome position (GRCh38, 1-based): chr9:20,953,075, C>T. VCF-style: chr9-20953075-C-T. GRCh37 (hg19) VCF-style: chr9-20953074-C-T.
Other names: c.4132+10C>T (NM_017794.5); c.4027+10C>T (NM_001375568.1, NM_001375570.1).
Identifiers: ClinVar variation 5019248 (VCV005019248.2).
Genomic context (GRCh38, chr9:20,953,075, plus strand): 5'-GCAGTTTTATTGGAGCAGCTATTGGCTTCTTCATTACAGGAGGAAAAAAAGGCAAGTGAG[C>T]ACATTTCTTGAATTTTATCATTCTATCTCCATGTTGTTATAAGTAAATTTGTGTACCCTA-3'

ClinVar aggregate classification (germline): Uncertain significance (1 of 4 stars; one submission).

Conditions:
Liver disease, severe congenital (SCOLIV). Also called: FOCAD DEFICIENCY. Identifiers: MedGen C5774195, MONDO:0859273, OMIM 619991.

Submission:

Juno Genomics, Hangzhou Juno Genomics, Inc
Classification: Uncertain significance for Liver disease, severe congenital. Review status: criteria provided, single submitter. Criteria: ACMG Guidelines, 2015. Collection method: clinical testing. Allele origin: germline.
Comment: Absent from controls (or at extremely low frequency if recessive) in Genome Aggregation Database.;Multiple lines of computational evidence support a deleterious effect on the gene or gene product.